The following is an entry in ClinVar:

ClinVar aggregate classification (germline): Conflicting classifications of pathogenicity. Review status: criteria provided, conflicting classifications (1 of 4 stars). 4 submissions from 4 submitters: Pathogenic (1); Uncertain significance (3). Last evaluated 2025-12-02.

Conditions:
Hereditary cancer-predisposing syndrome. Also called: Neoplastic Syndromes, Hereditary; Tumor predisposition; Hereditary Cancer Syndrome; Hereditary neoplastic syndrome. Identifiers: Orphanet 140162, MedGen C0027672, MeSH D009386, MONDO:0015356.
Breast-ovarian cancer, familial, susceptibility to, 1 (BROVCA1). Also called: BRCA1 Hereditary Breast and Ovarian Cancer; OVARIAN CANCER, SUSCEPTIBILITY TO. Identifiers: Orphanet 145, MedGen C2676676, MONDO:0011450, OMIM 604370. Disease mechanism: loss of function.
Hereditary breast ovarian cancer syndrome. Also called: Hereditary breast and ovarian cancer syndrome; Hereditary breast and ovarian cancer; Hereditary breast and ovarian cancer syndrome (HBOC); Breast and ovarian cancer; Hereditary breast and/or ovarian cancer syndrome; BRCA1- and BRCA2-Associated Hereditary Breast and Ovarian Cancer. Identifiers: Orphanet 145, MedGen C0677776, MeSH D061325, MONDO:0003582. Disease mechanism: loss of function.

Submissions (4):

Labcorp Genetics (formerly Invitae), Labcorp
Classification: Pathogenic for Hereditary breast ovarian cancer syndrome. Last evaluated: 2025-12-02. Review status: criteria provided, single submitter. Criteria: Invitae Variant Classification Sherloc (09022015). Collection method: clinical testing. Allele origin: germline.
Comment: This sequence change falls in intron 12 of the BRCA1 gene. It does not directly change the encoded amino acid sequence of the BRCA1 protein. RNA analysis indicates that this variant induces altered splicing and may result in an absent or altered protein product. This variant is present in population databases (rs776362840, gnomAD 0.0009%). This variant has been observed in individual(s) with ovarian cancer (PMID: 34657373). ClinVar contains an entry for this variant (Variation ID: 2862396). Studies have shown that this variant results in skipping of exon 13, and produces a non-functional protein and/or introduces a premature termination codon (internal data). For these reasons, this variant has been classified as Pathogenic.

German Consortium for Hereditary Breast and Ovarian Cancer, University Hospital Cologne
Classification: Uncertain significance for Hereditary breast ovarian cancer syndrome. Last evaluated: 2025-11-18. Review status: criteria provided, single submitter. Criteria: ClinGen BRCA1 V1.1.0. Collection method: curation. Allele origin: germline.
Comment: This classification follows the ClinGen ENIGMA BRCA1 v1.1.0 classification scheme; We chose this criterion: PVS1 (strong pathogenic): PVS1_STR (RNA): Leman (2022, PMID: 36273432): Blood RNA analysis --> Assay results using patient mRNA without allele-specific quantitation --> r.4358_4484del, p.(Ala1453GlyfsTer10) --> PVS1 (downgrade as RNA analysis)

Baylor Genetics
Classification: Uncertain significance for Breast-ovarian cancer, familial, susceptibility to, 1. Last evaluated: 2024-03-26. Review status: criteria provided, single submitter. Criteria: ACMG Guidelines, 2015. Collection method: clinical testing. Allele origin: unknown.

Ambry Genetics
Classification: Uncertain significance for Hereditary cancer-predisposing syndrome. Last evaluated: 2022-09-13. Review status: criteria provided, single submitter. Criteria: Ambry Variant Classification Scheme 2023. Collection method: clinical testing. Allele origin: germline.
Comment: The c.4358-31_4358-27delAAGTA alteration is located in Intron 12 (E) of the BRCA1 gene. This alteration consists of a deletion of 5 nucleotides at nucleotide position c.4358-31 Intron 12 (E). Based on insufficient or conflicting evidence, the clinical significance of this alteration remains unclear.

Literature cited by the submitters: PubMed 34657373 (cited by Labcorp Genetics (formerly Invitae), Labcorp).

NM_007294.4(BRCA1):c.4358-31_4358-27del

Gene: BRCA1 (BRCA1 DNA repair associated; minus strand). Cytogenetic location: 17q21.31.
Variant type: Deletion.
Coding change: c.4358-31_4358-27del on transcript NM_007294.4 (MANE Select); 31 bases into the intron before coding-DNA position 4358 through 27 bases into the intron before coding-DNA position 4358, 5 bases deleted (AAGTA; older notation c.4358-31_4358-27delAAGTA).
Molecular consequence: intron variant.
Genome position (GRCh38, 1-based): chr17:43,076,641-43,076,645, TACTT deleted on the plus strand (AAGTA on the coding strand, the reverse complement: BRCA1 is on the minus strand); deleting any 5 consecutive bases within chr17:43,076,641-43,076,649 gives the same sequence; the c. name uses the placement nearest the transcript's 3' end. VCF-style (leftmost placement, unchanged base first): chr17-43076640-CTACTT-C. GRCh37 (hg19) VCF-style: chr17-41228657-CTACTT-C.
Other names: c.929-34_929-30del (NM_001408431.1); c.929-31_929-27del (NM_001408424.1, NM_001408421.1); c.1043-34_1043-30del (NM_001408407.1); c.1043-31_1043-27del (NM_001408402.1, NM_001408400.1, NM_001408401.1); c.1046-34_1046-30del (NM_001408473.1, NM_001408399.1, NM_001408403.1 and 5 more transcripts); c.1046-31_1046-27del (NM_001407984.1, NM_001407983.1, NM_001407992.1 and 9 more transcripts); c.4352-34_4352-30del (NM_001407645.1, NM_001407644.1); c.4352-31_4352-27del (NM_001407628.1, NM_001407629.1, NM_001407630.1 and 3 more transcripts); and 99 more.
Identifiers: ClinVar variation 2862396 (VCV002862396.6), dbSNP rs776362840, ClinGen allele CA060141.